The following is an entry in ClinVar:

NM_001271.4(CHD2):c.2001-164T>A

Gene: CHD2 (chromodomain helicase DNA binding protein 2; plus strand). Cytogenetic location: 15q26.1.
Variant type: single nucleotide variant.
Coding change: c.2001-164T>A on transcript NM_001271.4 (MANE Select); 164 bases into the intron before coding-DNA position 2001, T replaced by A.
Molecular consequence: intron variant.
Genome position (GRCh38, 1-based): chr15:92,967,161, T>A. VCF-style: chr15-92967161-T-A. GRCh37 (hg19) VCF-style: chr15-93510391-T-A.
Identifiers: ClinVar variation 677309 (VCV000677309.1), dbSNP rs76698607, ClinGen allele CA274882905.

ClinVar aggregate classification (germline): Likely benign (1 of 4 stars; one submission).

Allele frequency attached by ClinVar (database versions not stated): gnomAD 0.00660 and 0.00710; 1000 Genomes Project 30x 0.00718; TOPMed 0.00744; 1000 Genomes Project 0.00759.
gnomAD v4.1: 995 of 152,300 alleles (0.65%); highest among the groups gnomAD compares: African/African-American, 2.3%; 11 homozygotes.

Submission:

GeneDx
Classification: Likely benign. Last evaluated: 2018-06-14. Review status: criteria provided, single submitter. Criteria: GeneDx Variant Classification (06012015). Collection method: clinical testing. Allele origin: germline. Affected: yes.
Comment: This variant is considered likely benign or benign based on one or more of the following criteria: it is a conservative change, it occurs at a poorly conserved position in the protein, it is predicted to be benign by multiple in silico algorithms, and/or has population frequency not consistent with disease.